The following is an entry in ClinVar:

NM_007200.5(AKAP13):c.3264G>A (p.Thr1088=)

Gene: AKAP13 (A-kinase anchoring protein 13; plus strand). Cytogenetic location: 15q25.3.
Variant type: single nucleotide variant.
Coding change: c.3264G>A on transcript NM_007200.5 (MANE Select); coding-DNA position 3264, G replaced by A.
Protein change: p.Thr1088=; no amino-acid change (threonine 1088 retained).
Molecular consequence: synonymous variant.
Genome position (GRCh38, 1-based): chr15:85,581,332, G>A. VCF-style: chr15-85581332-G-A. GRCh37 (hg19) VCF-style: chr15-86124563-G-A.
Other names: c.3264G>A, p.Thr1088= (NM_006738.6).
Identifiers: ClinVar variation 2645657 (VCV002645657.24), dbSNP rs563937314, ClinGen allele CA7712771.
Genomic context (GRCh38, chr15:85,581,332, plus strand): 5'-AGTGAAGAACACTCAATCCCAGGGAAAAACTAGTGCCTGTGAGGTGAGTGGAGATGTGAC[G>A]GTGGATGTTACAGGGGTTAATGCTCTACAAGGTATGGCTGAGCCCAGAAGAGAGAATATA-3'
Protein context (NP_009131.2, residues 1078-1098): TSACEVSGDV[Thr1088=]VDVTGVNALQ

ClinVar aggregate classification (germline): Likely benign (1 of 4 stars; one submission).

Allele frequency attached by ClinVar (database versions not stated): TOPMed 0.00012; gnomAD 0.00025; ExAC 0.00124; 1000 Genomes Project 30x 0.00156; 1000 Genomes Project 0.00160.
gnomAD v4.1: 931 of 1,614,198 alleles (0.058%); highest among the groups gnomAD compares: South Asian, 0.76%; 13 homozygotes.

Submission:

CeGaT Center for Human Genetics Tuebingen
Classification: Likely benign. Last evaluated: 2022-03-01. Review status: criteria provided, single submitter. Criteria: CeGaT Center For Human Genetics Tuebingen Variant Classification Criteria Version 2. Collection method: clinical testing. Allele origin: germline. Affected: yes. Observed: 1 variant allele.
Comment: AKAP13: BP4, BP7